The following is an entry in ClinVar:

ClinVar aggregate classification (germline): Uncertain significance (1 of 4 stars; one submission).

Conditions:
Bloom syndrome (BLM). Also called: Bloom-Torre-Machacek syndrome. Identifiers: Orphanet 125, MedGen C0005859, MONDO:0008876, OMIM 210900.

Submission:

Labcorp Genetics (formerly Invitae), Labcorp
Classification: Uncertain significance for Bloom syndrome. Last evaluated: 2022-02-22. Review status: criteria provided, single submitter. Criteria: Invitae Variant Classification Sherloc (09022015). Collection method: clinical testing. Allele origin: germline.
Comment: This sequence change replaces glutamine, which is neutral and polar, with histidine, which is basic and polar, at codon 851 of the BLM protein (p.Gln851His). This variant is not present in population databases (gnomAD no frequency). This variant has not been reported in the literature in individuals affected with BLM-related conditions. Algorithms developed to predict the effect of missense changes on protein structure and function are either unavailable or do not agree on the potential impact of this missense change (SIFT: "Tolerated"; PolyPhen-2: "Probably Damaging"; Align-GVGD: "Class C0"). Algorithms developed to predict the effect of sequence changes on RNA splicing suggest that this variant may disrupt the consensus splice site. In summary, the available evidence is currently insufficient to determine the role of this variant in disease. Therefore, it has been classified as a Variant of Uncertain Significance.

NM_000057.4(BLM):c.2553G>C (p.Gln851His)

Gene: BLM (BLM RecQ like helicase; plus strand). Cytogenetic location: 15q26.1.
Variant type: single nucleotide variant.
Coding change: c.2553G>C on transcript NM_000057.4 (MANE Select); coding-DNA position 2553, G replaced by C.
Protein change: p.Gln851His; replaces glutamine 851 with histidine.
Molecular consequence: missense variant.
Genome position (GRCh38, 1-based): chr15:90,769,584, G>C. VCF-style: chr15-90769584-G-C. GRCh37 (hg19) VCF-style: chr15-91312814-G-C.
Other names: c.2553G>C, p.Gln851His (NM_001287246.2, NM_001287247.2); c.1428G>C, p.Gln476His (NM_001287248.2); short protein forms Q476H, Q851H.
Identifiers: ClinVar variation 2101406 (VCV002101406.4), dbSNP rs1896244976, ClinGen allele CA393845560.